The following is an entry in ClinVar:

NM_000110.4(DPYD):c.1820_1821del (p.Phe607fs)

Gene: DPYD (dihydropyrimidine dehydrogenase; minus strand). Cytogenetic location: 1p21.3.
Variant type: Deletion.
Coding change: c.1820_1821del on transcript NM_000110.4 (MANE Select); coding-DNA positions 1820 to 1821, 2 bases deleted (TT; older notation c.1820_1821delTT).
Protein change: p.Phe607fs; shifts the reading frame from phenylalanine 607.
Molecular consequence: frameshift variant.
Genome position (GRCh38, 1-based): chr1:97,450,143-97,450,144, AA deleted on the plus strand (TT on the coding strand, the reverse complement: DPYD is on the minus strand); deleting any 2 consecutive bases within chr1:97,450,143-97,450,145 gives the same sequence; the c. name uses the placement nearest the transcript's 3' end. VCF-style (leftmost placement, unchanged base first): chr1-97450142-GAA-G. GRCh37 (hg19) VCF-style: chr1-97915698-GAA-G.
Other names: short protein forms F607fs.
Identifiers: ClinVar variation 4081633 (VCV004081633.1).

ClinVar aggregate classification (germline): Pathogenic (1 of 4 stars; one submission).

Conditions:
Dihydropyrimidine dehydrogenase deficiency (DPYDD). Also called: DPD DEFICIENCY; DPYD DEFICIENCY; Hereditary Thymine-Uraciluria. Identifiers: Orphanet 1675, MedGen C1959620, MONDO:0010130, OMIM 274270.

Submission:

Myriad Genetics, Inc.
Classification: Pathogenic for Dihydropyrimidine dehydrogenase deficiency. Last evaluated: 2025-05-18. Review status: criteria provided, single submitter. Criteria: Myriad Autosomal Dominant, Autosomal Recessive and X-Linked Classification Criteria (2023). Collection method: clinical testing. Allele origin: unknown.
Comment: NM_000110.3(DPYD):c.1820_1821delTT(F607Sfs*4) is a frameshift variant classified as pathogenic in the context of dihydropyrimidine dehydrogenase deficiency. F607Sfs*4 has not been observed in cases with relevant disease. Relevant functional assessments of this variant are not available in the literature. F607Sfs*4 has been observed in referenced population frequency databases. In summary, NM_000110.3(DPYD):c.1820_1821delTT(F607Sfs*4) is a frameshift variant in a gene where loss of function is a known mechanism of disease and is predicted to disrupt protein function. Please note: this variant was assessed in the context of healthy population screening.